The following is an entry in ClinVar:

NC_000004.12:g.154586423_154590900dup

Gene: FGA (fibrinogen alpha chain; minus strand). Cytogenetic location: 4q31.3.
Variant type: Duplication.
Genome position: GRCh38: chr4:154,586,423-154,590,900. GRCh37 (hg19): chr4:155,507,575-155,512,052.
Identifiers: ClinVar variation 3068753 (VCV003068753.1), ClinGen allele CA2825001303.

ClinVar aggregate classification (germline): Uncertain significance (1 of 4 stars; one submission).

Submission:

Women's Health and Genetics/Laboratory Corporation of America, LabCorp
Classification: Uncertain significance. Last evaluated: 2024-02-06. Review status: criteria provided, single submitter. Criteria: LabCorp Variant Classification Summary - May 2015. Collection method: clinical testing. Allele origin: germline.
Comment: Variant summary: The variant involves the duplication of exons 1 to partial exon 5 in the FGA gene. A presumed nomenclature of c.-213_1006dup4478 has been designated for the purposes of this classification. It is predicted to duplicate a segment including the initiation codon, therefore its impact on the encoded protein is unknown. A similar large duplication variant (size: 4,744 bp) was found at a frequency of 0.00017 in 441886 control chromosomes (i.e. in 77 alleles), predominantly at a frequency of 0.0057 within the Ashkenazi Jewish subpopulation in the gnomAD database (CNVs v4.0 dataset, zygosity not specified in this dataset). To our knowledge, no occurrence of c.-213_1006dup4478 in individuals affected with Dysfibrinogenemia, Congenital and no experimental evidence demonstrating its impact on protein function have been reported. No submitters have cited clinical-significance assessments for this variant to ClinVar. Based on the evidence outlined above, the variant was classified as uncertain significance.